The following is an entry in ClinVar:

ClinVar aggregate classification (germline): Likely benign (1 of 4 stars; one submission).

Allele frequency attached by ClinVar (database versions not stated): TOPMed 0.00019.
gnomAD v4.1: 319 of 1,294,366 alleles (0.025%); highest among the groups gnomAD compares: Middle Eastern, 0.088%; no homozygotes.

Submission:

CeGaT Center for Human Genetics Tuebingen
Classification: Likely benign. Last evaluated: 2022-03-01. Review status: criteria provided, single submitter. Criteria: CeGaT Center For Human Genetics Tuebingen Variant Classification Criteria Version 2. Collection method: clinical testing. Allele origin: germline. Affected: yes. Observed: 1 variant allele.
Comment: ZCCHC2: BP4

NM_017742.6(ZCCHC2):c.224C>G (p.Ala75Gly)

Gene: ZCCHC2 (zinc finger CCHC-type containing 2; plus strand). Cytogenetic location: 18q21.33.
Variant type: single nucleotide variant.
Coding change: c.224C>G on transcript NM_017742.6 (MANE Select); coding-DNA position 224, C replaced by G.
Protein change: p.Ala75Gly; replaces alanine 75 with glycine.
Molecular consequence: missense variant. On other transcripts: non-coding transcript variant (1).
Genome position (GRCh38, 1-based): chr18:62,523,648, C>G. VCF-style: chr18-62523648-C-G. GRCh37 (hg19) VCF-style: chr18-60190881-C-G.
Other names: short protein forms A75G.
Identifiers: ClinVar variation 2648777 (VCV002648777.24), dbSNP rs563696641, ClinGen allele CA402621468.